The following is an entry in ClinVar:

ClinVar aggregate classification (germline): Uncertain significance (1 of 4 stars; one submission).

Conditions:
Primary dilated cardiomyopathy (DCM). Also called: Dilated Cardiomyopathy. Identifiers: Orphanet 217604, MedGen C0007193, MeSH D002311, MONDO:0005021, HP:0001644. Inheritance: Various modes of inheritance.
Hypertrophic cardiomyopathy. Also called: HYPERTROPHIC MYOCARDIOPATHY. Identifiers: Orphanet 217569, MedGen C0007194, MeSH D002312, MONDO:0005045, HP:0001639.

gnomAD v4.1: 7 of 1,613,998 alleles (0.00043%); highest among the groups gnomAD compares: Non-Finnish European, 0.00059%; no homozygotes.

Submission:

Labcorp Genetics (formerly Invitae), Labcorp
Classification: Uncertain significance for Hypertrophic cardiomyopathy; Primary dilated cardiomyopathy. Last evaluated: 2022-09-28. Review status: criteria provided, single submitter. Criteria: Invitae Variant Classification Sherloc (09022015). Collection method: clinical testing. Allele origin: germline.
Comment: ClinVar contains an entry for this variant (Variation ID: 525141). This variant has not been reported in the literature in individuals affected with PDLIM3-related conditions. This variant is present in population databases (no rsID available, gnomAD 0.0009%). This sequence change replaces threonine, which is neutral and polar, with lysine, which is basic and polar, at codon 279 of the PDLIM3 protein (p.Thr279Lys). In summary, the available evidence is currently insufficient to determine the role of this variant in disease. Therefore, it has been classified as a Variant of Uncertain Significance. Advanced modeling of protein sequence and biophysical properties (such as structural, functional, and spatial information, amino acid conservation, physicochemical variation, residue mobility, and thermodynamic stability) performed at Invitae indicates that this missense variant is not expected to disrupt PDLIM3 protein function.

NM_014476.6(PDLIM3):c.836C>A (p.Thr279Lys)

Gene: PDLIM3 (PDZ and LIM domain 3; minus strand). Cytogenetic location: 4q35.1.
Variant type: single nucleotide variant.
Coding change: c.836C>A on transcript NM_014476.6 (MANE Select); coding-DNA position 836, C replaced by A.
Protein change: p.Thr279Lys; replaces threonine 279 with lysine.
Molecular consequence: missense variant. On other transcripts: non-coding transcript variant (1).
Genome position (GRCh38, 1-based): chr4:185,504,544, G>T on the plus strand (C>A on the coding strand, the complement: PDLIM3 is on the minus strand). VCF-style: chr4-185504544-G-T. GRCh37 (hg19) VCF-style: chr4-186425698-G-T.
Other names: c.692C>A, p.Thr231Lys (NM_001114107.5); c.572C>A, p.Thr191Lys (NM_001257962.2); c.335C>A, p.Thr112Lys (NM_001257963.2); short protein forms T279K, T112K, T231K, T191K.
Identifiers: ClinVar variation 525141 (VCV000525141.9), dbSNP rs150070443, ClinGen allele CA358921283.
Genomic context (GRCh38, chr4:185,504,544, plus strand): 5'-CTCCCACATTTGTCACAGAGCGGCATCCTCTGTGCCCCGCCTGAACCGCCATGGACTTTC[G>T]TCACCGGAGCTCTCACACTCCGCGTTCCAGCCGGACGGTCATCTGAAAAACAAAGCGTTT-3'
Protein context (NP_055291.2, residues 269-289): AGTRSVRAPV[Thr279Lys]KVHGGSGGAQ